The following is an entry in ClinVar:

NM_000501.4(ELN):c.948T>A (p.Tyr316Ter)

Gene: ELN (elastin; plus strand). Cytogenetic location: 7q11.23.
Variant type: single nucleotide variant.
Coding change: c.948T>A on transcript NM_000501.4 (MANE Select); coding-DNA position 948, T replaced by A.
Protein change: p.Tyr316Ter; replaces tyrosine 316 with a stop codon.
Molecular consequence: nonsense.
Genome position (GRCh38, 1-based): chr7:74,051,982, T>A. VCF-style: chr7-74051982-T-A. GRCh37 (hg19) VCF-style: chr7-73466312-T-A.
Other names: c.918T>A, p.Tyr306Ter (NM_001081752.3, NM_001278917.2); c.963T>A, p.Tyr321Ter (NM_001081753.3, NM_001081754.3); c.948T>A, p.Tyr316Ter (NM_001081755.3, NM_001278912.2, NM_001278915.2 and 1 more transcripts); c.840T>A, p.Tyr280Ter (NM_001278913.2); c.933T>A, p.Tyr311Ter (NM_001278914.2); c.906T>A, p.Tyr302Ter (NM_001278916.2); c.816T>A, p.Tyr272Ter (NM_001278918.2); short protein forms Y272*, Y280*, Y302*, Y306*, Y311*, Y316*, Y321*.
Identifiers: ClinVar variation 1076945 (VCV001076945.7), dbSNP rs2131858633, ClinGen allele CA367871505.

ClinVar aggregate classification (germline): Pathogenic (1 of 4 stars; one submission).

Conditions:
Supravalvar aortic stenosis (SVAS). Also called: Supravalvar aortic stenosis, Eisenberg type. Identifiers: Orphanet 3193, MedGen C0003499, MONDO:0008504, OMIM 185500, HP:0004381.

Submission:

Labcorp Genetics (formerly Invitae), Labcorp
Classification: Pathogenic for Supravalvar aortic stenosis. Last evaluated: 2020-03-04. Review status: criteria provided, single submitter. Criteria: Invitae Variant Classification Sherloc (09022015). Collection method: clinical testing. Allele origin: germline.
Comment: This sequence change creates a premature translational stop signal (p.Tyr316*) in the ELN gene. It is expected to result in an absent or disrupted protein product. This variant is not present in population databases (ExAC no frequency). This variant has not been reported in the literature in individuals with ELN-related conditions. Loss-of-function variants in ELN are known to be pathogenic (PMID: 11175284). For these reasons, this variant has been classified as Pathogenic.

Literature cited by the submitters: PubMed 11175284.